The following is an entry in ClinVar:

NM_001903.5(CTNNA1):c.261G>T (p.Lys87Asn)

Gene: CTNNA1 (catenin alpha 1; plus strand). Cytogenetic location: 5q31.2.
Variant type: single nucleotide variant.
Coding change: c.261G>T on transcript NM_001903.5 (MANE Select); coding-DNA position 261, G replaced by T.
Protein change: p.Lys87Asn; replaces lysine 87 with asparagine.
Molecular consequence: missense variant. On other transcripts: intron variant (2).
Genome position (GRCh38, 1-based): chr5:138,783,332, G>T. VCF-style: chr5-138783332-G-T. GRCh37 (hg19) VCF-style: chr5-138119021-G-T.
Other names: c.261G>T, p.Lys87Asn (NM_001290307.3, NM_001323982.2, NM_001323983.1 and 3 more transcripts); c.-6+60G>T (NM_001290310.3); c.-9+1303G>T (NM_001290309.3); short protein forms K87N.
Identifiers: ClinVar variation 1374699 (VCV001374699.6), dbSNP rs2149656789, ClinGen allele CA361477638.

ClinVar aggregate classification (germline): Uncertain significance (1 of 4 stars; one submission).

Submission:

Labcorp Genetics (formerly Invitae), Labcorp
Classification: Uncertain significance. Last evaluated: 2021-08-12. Review status: criteria provided, single submitter. Criteria: Invitae Variant Classification Sherloc (09022015). Collection method: clinical testing. Allele origin: germline.
Comment: This sequence change replaces lysine with asparagine at codon 87 of the CTNNA1 protein (p.Lys87Asn). The lysine residue is highly conserved and there is a moderate physicochemical difference between lysine and asparagine. This variant is not present in population databases (ExAC no frequency). This variant has not been reported in the literature in individuals affected with CTNNA1-related conditions. Algorithms developed to predict the effect of missense changes on protein structure and function are either unavailable or do not agree on the potential impact of this missense change (SIFT: "Deleterious"; PolyPhen-2: "Benign"; Align-GVGD: "Class C0"). In summary, the available evidence is currently insufficient to determine the role of this variant in disease. Therefore, it has been classified as a Variant of Uncertain Significance.